The following is an entry in ClinVar:

NM_001136193.2(FASTKD2):c.319C>G (p.Leu107Val)

Gene: FASTKD2 (FASTK mitochondrial RNA regulator 2; plus strand). Cytogenetic location: 2q33.3.
Variant type: single nucleotide variant.
Coding change: c.319C>G on transcript NM_001136193.2 (MANE Select); coding-DNA position 319, C replaced by G.
Protein change: p.Leu107Val; replaces leucine 107 with valine.
Molecular consequence: missense variant.
Genome position (GRCh38, 1-based): chr2:206,767,012, C>G. VCF-style: chr2-206767012-C-G. GRCh37 (hg19) VCF-style: chr2-207631736-C-G.
Other names: c.319C>G, p.Leu107Val (NM_001136194.2, NM_014929.4); short protein forms L107V.
Identifiers: ClinVar variation 1005350 (VCV001005350.11), dbSNP rs760522658, ClinGen allele CA2074861.

ClinVar aggregate classification (germline): Uncertain significance. Review status: criteria provided, multiple submitters, no conflicts (2 of 4 stars). 4 submissions from 4 submitters: Uncertain significance (4). Last evaluated 2026-06-24.

Conditions:
Inborn genetic diseases. Identifiers: MedGen C0950123, MeSH D030342.
Combined oxidative phosphorylation deficiency 44. Also called: FASTKD2-Related Combined Oxidative Phosphorylation Deficiency. Identifiers: MedGen C5394293, MONDO:0030020, OMIM 618855.

Allele frequency attached by ClinVar (database versions not stated): gnomAD 0.00001; ExAC 0.00002; TOPMed 0.00004; gnomAD exomes 0.00002.
gnomAD v4.1: 26 of 1,613,408 alleles (0.0016%); highest among the groups gnomAD compares: Admixed American, 0.01%; no homozygotes.

Submissions (4):

Ambry Genetics
Classification: Uncertain significance for Inborn genetic diseases. Last evaluated: 2026-06-24. Review status: criteria provided, single submitter. Criteria: Ambry Variant Classification Scheme 2023. Collection method: clinical testing. Allele origin: germline.
Comment: The c.319C>G (p.L107V) alteration is located in exon 2 (coding exon 1) of the FASTKD2 gene. This alteration results from a C to G substitution at nucleotide position 319, causing the leucine (L) at amino acid position 107 to be replaced by a valine (V). Based on data from gnomAD, the G allele has an overall frequency of 0.002% (4/250570) total alleles studied. The highest observed frequency was 0.012% (4/34536) of Latino alleles. Based on insufficient or conflicting evidence, the clinical significance of this alteration remains unclear.

Labcorp Genetics (formerly Invitae), Labcorp
Classification: Uncertain significance. Last evaluated: 2022-08-16. Review status: criteria provided, single submitter. Criteria: Invitae Variant Classification Sherloc (09022015). Collection method: clinical testing. Allele origin: germline.
Comment: ClinVar contains an entry for this variant (Variation ID: 1005350). Algorithms developed to predict the effect of missense changes on protein structure and function are either unavailable or do not agree on the potential impact of this missense change (SIFT: "Tolerated"; PolyPhen-2: "Possibly Damaging"; Align-GVGD: "Class C0"). In summary, the available evidence is currently insufficient to determine the role of this variant in disease. Therefore, it has been classified as a Variant of Uncertain Significance. This variant has not been reported in the literature in individuals affected with FASTKD2-related conditions. This sequence change replaces leucine, which is neutral and non-polar, with valine, which is neutral and non-polar, at codon 107 of the FASTKD2 protein (p.Leu107Val). This variant is present in population databases (rs760522658, gnomAD 0.01%).

Fulgent Genetics
Classification: Uncertain significance for Combined oxidative phosphorylation deficiency 44. Last evaluated: 2021-12-13. Review status: criteria provided, single submitter. Criteria: ACMG Guidelines, 2015. Collection method: clinical testing. Allele origin: unknown.

GeneDx
Classification: Uncertain significance. Last evaluated: 2021-11-22. Review status: criteria provided, single submitter. Criteria: GeneDx Variant Classification Process June 2021. Collection method: clinical testing. Allele origin: germline. Affected: yes.
Comment: Not observed at significant frequency in large population cohorts (Lek et al., 2016); In silico analysis supports that this missense variant has a deleterious effect on protein structure/function; Has not been previously published as pathogenic or benign to our knowledge